The following is an entry in ClinVar:

ClinVar aggregate classification (germline): Uncertain significance (1 of 4 stars; one submission).

Conditions:
Fetal akinesia deformation sequence 1 (FADS1). Also called: Fetal akinesia sequence; Pena-Shokeir syndrome type I. Identifiers: Orphanet 994, MedGen C1276035, MONDO:0100101, OMIM 208150, HP:0001989.
Congenital myasthenic syndrome 11. Also called: MYASTHENIC SYNDROME, CONGENITAL, Ie; Myasthenic syndrome, congenital, 11, associated with acetylcholine receptor deficiency. Identifiers: Orphanet 590, MedGen C4225367, MONDO:0014588, OMIM 616326.

Submission:

Labcorp Genetics (formerly Invitae), Labcorp
Classification: Uncertain significance for Congenital myasthenic syndrome 11; Fetal akinesia deformation sequence 1. Last evaluated: 2019-04-15. Review status: criteria provided, single submitter. Criteria: Invitae Variant Classification Sherloc (09022015). Collection method: clinical testing. Allele origin: germline.
Comment: In summary, the available evidence is currently insufficient to determine the role of this variant in disease. Therefore, it has been classified as a Variant of Uncertain Significance. Algorithms developed to predict the effect of sequence changes on RNA splicing suggest that this variant may disrupt the consensus splice site, but this prediction has not been confirmed by published transcriptional studies. This variant has not been reported in the literature in individuals with RAPSN-related conditions. This variant is not present in population databases (ExAC no frequency). This sequence change falls in intron 3 of the FBN1 gene. It does not directly change the encoded amino acid sequence of the FBN1 protein, but it affects a nucleotide within the consensus splice site of the intron.

NM_005055.5(RAPSN):c.691-2_732dup

Gene: RAPSN (receptor associated protein of the synapse; minus strand). Cytogenetic location: 11p11.2.
Variant type: Duplication.
Coding change: c.691-2_732dup on transcript NM_005055.5 (MANE Select); the canonical splice acceptor site of the intron before coding-DNA position 691 through coding-DNA position 732, 44 bases duplicated.
Molecular consequence: splice acceptor variant.
Genome position (GRCh38, 1-based): chr11:47,441,880-47,441,923, 44 bases duplicated. GRCh37 (hg19): chr11:47,463,432-47,463,475.
Other names: c.691-2_732dup (NM_032645.5).
Identifiers: ClinVar variation 948140 (VCV000948140.8), dbSNP rs2076367688, ClinGen allele CA1139661959.
Genomic context (GRCh38, chr11:47,441,879, plus strand): 5'-TCACCTCCAGGTCCCCACGGCTCCGGTGGATGTCAGCGAAGCAGAGCAGGCAGAGCGCCT[G>GCAGTGGCCGGTCCCCGTGCTGCAGCGCGATCTTCATAGACTCCT]CAGTGGCCGGTCCCCGTGCTGCAGCGCGATCTTCATAGACTCCTGCGAGGGAGGCCAGTG-3'